The following is an entry in ClinVar:

NM_000368.5(TSC1):c.110G>A (p.Arg37His)

Gene: TSC1 (TSC complex subunit 1; minus strand). Cytogenetic location: 9q34.13.
Variant type: single nucleotide variant.
Coding change: c.110G>A on transcript NM_000368.5 (MANE Select); coding-DNA position 110, G replaced by A.
Protein change: p.Arg37His; replaces arginine 37 with histidine.
Molecular consequence: missense variant. On other transcripts: intron variant (1).
Genome position (GRCh38, 1-based): chr9:132,927,301, C>T on the plus strand (G>A on the coding strand, the complement: TSC1 is on the minus strand). VCF-style: chr9-132927301-C-T. GRCh37 (hg19) VCF-style: chr9-135802688-C-T.
Other names: c.110G>A, p.Arg37His (NM_001162426.2, NM_001162427.2); c.-154+1466G>A (NM_001362177.2); short protein forms R37H.
Identifiers: ClinVar variation 382942 (VCV000382942.29), dbSNP rs750441497, ClinGen allele CA027051.

ClinVar aggregate classification (germline): Conflicting classifications of pathogenicity. Review status: criteria provided, conflicting classifications (1 of 4 stars). 10 submissions from 10 submitters: Uncertain significance (5); Likely benign (5). Last evaluated 2026-08-24.

Conditions:
TSC1-related disorder. Also called: TSC1-related condition.
Hereditary cancer-predisposing syndrome. Also called: Neoplastic Syndromes, Hereditary; Tumor predisposition; Hereditary Cancer Syndrome; Hereditary neoplastic syndrome. Identifiers: Orphanet 140162, MedGen C0027672, MeSH D009386, MONDO:0015356.
Tuberous sclerosis syndrome (TSC). Also called: Tuberous Sclerosis Complex; Tuberous sclerosis. Identifiers: Orphanet 805, MedGen C0041341, MONDO:0001734.
Tuberous sclerosis 1 (TSC1). Identifiers: Orphanet 805, MedGen C1854465, MONDO:0008612, OMIM 191100.

Allele frequency attached by ClinVar (database versions not stated): gnomAD exomes 0.00002; ExAC 0.00003; TOPMed 0.00003; gnomAD 0.00004.

Submissions (10):

PreventionGenetics, part of Exact Sciences
Classification: Uncertain significance for TSC1-related condition. Last evaluated: 2026-08-24. Review status: criteria provided, single submitter. Criteria: ACMG Guidelines, 2015. Collection method: clinical testing. Allele origin: germline.
Comment: The TSC1 c.110G>A variant is predicted to result in the amino acid substitution p.Arg37His. This variant has not been reported in individuals with TSC1 related conditions. This variant is reported in 0.0058% of alleles in individuals of Latino descent in gnomAD and has conflicting interpretations regarding its pathogenicity in ClinVar, ranging from likely benign to uncertain (Variation ID: 382942). Although we suspect that this variant may be benign, at this time, the clinical significance of this variant is uncertain due to the absence of conclusive functional and genetic evidence.

Labcorp Genetics (formerly Invitae), Labcorp
Classification: Likely benign for Tuberous sclerosis 1. Last evaluated: 2025-11-22. Review status: criteria provided, single submitter. Criteria: Invitae Variant Classification Sherloc (09022015). Collection method: clinical testing. Allele origin: germline.

Ambry Genetics
Classification: Likely benign for Hereditary cancer-predisposing syndrome. Last evaluated: 2025-09-16. Review status: criteria provided, single submitter. Criteria: Ambry Variant Classification Scheme 2023. Collection method: clinical testing. Allele origin: germline.

All of Us Research Program, National Institutes of Health
Classification: Uncertain significance for Tuberous sclerosis syndrome. Last evaluated: 2024-09-23. Review status: criteria provided, single submitter. Criteria: ACMG Guidelines, 2015. Collection method: clinical testing. Allele origin: germline. Inheritance: Autosomal dominant inheritance. Observed: 13 variant alleles, 13 heterozygotes.
Comment: This missense variant replaces arginine with histidine at codon 37 of the TSC1 protein. Computational prediction suggests that this variant may have deleterious impact on protein structure and function (internally defined REVEL score threshold >= 0.7, PMID: 27666373). To our knowledge, functional studies have not been reported for this variant. This variant has not been reported in individuals affected with TSC1-related disorders in the literature. This variant has been identified in 5/250588 chromosomes in the general population by the Genome Aggregation Database (gnomAD). The available evidence is insufficient to determine the role of this variant in disease conclusively. Therefore, this variant is classified as a Variant of Uncertain Significance.

This study involves interpretation of variants in research participants for the purpose of population health screening. Participant phenotype was not available at the time of variant classification. Additional details can be found in publication PMID: 35346344, PMCID: PMC8962531

Blueprint Genetics
Classification: Likely benign. Last evaluated: 2024-05-03. Review status: criteria provided, single submitter. Criteria: ACMG Guidelines, 2015. Collection method: clinical testing. Allele origin: germline.

Quest Diagnostics Nichols Institute San Juan Capistrano
Classification: Uncertain significance. Last evaluated: 2024-04-15. Review status: criteria provided, single submitter. Criteria: Quest Diagnostics criteria. Collection method: clinical testing. Allele origin: unknown.

Color Diagnostics, LLC DBA Color Health
Classification: Uncertain significance for Tuberous sclerosis syndrome. Last evaluated: 2024-02-12. Review status: criteria provided, single submitter. Criteria: ACMG Guidelines, 2015. Collection method: clinical testing. Allele origin: germline.
Comment: This missense variant replaces arginine with histidine at codon 37 of the TSC1 protein. Computational prediction suggests that this variant may have deleterious impact on protein structure and function. To our knowledge, functional studies have not been reported for this variant. This variant has not been reported in individuals affected with TSC1-related disorders in the literature. This variant has been identified in 5/250588 chromosomes in the general population by the Genome Aggregation Database (gnomAD). The available evidence is insufficient to determine the role of this variant in disease conclusively. Therefore, this variant is classified as a Variant of Uncertain Significance.

Genome-Nilou Lab
Classification: Likely benign for Tuberous sclerosis 1. Last evaluated: 2021-11-07. Review status: criteria provided, single submitter. Criteria: ACMG Guidelines, 2015. Collection method: clinical testing. Allele origin: germline. Affected: no.

Sema4
Classification: Uncertain significance for Hereditary cancer-predisposing syndrome. Last evaluated: 2021-09-13. Review status: criteria provided, single submitter. Criteria: Sema4 Curation Guidelines. Collection method: curation. Allele origin: germline.
Comment: The TSC1 c.110G>A (p.R37H) variant has been reported in 1 individual with autism spectrum disorder (ASD) (PMID 28250423). This variant was observed in 2/34494 chromosomes in the Latino subpopulation according to the Genome Aggregation Database (PMID: 32461654). This variant has been reported in ClinVar (Variation ID 382942). In silico tools suggest the impact of the variant on protein function is deleterious, though these predictions have not been confirmed by functional studies. The overall evidence is insufficient to meet ACMG/AMP criteria for classifying it as benign or pathogenic. In summary, the clinical significance of this variant is currently uncertain.

GeneDx
Classification: Likely benign. Last evaluated: 2018-06-26. Review status: criteria provided, single submitter. Criteria: GeneDx Variant Classification Process June 2021. Collection method: clinical testing. Allele origin: germline. Affected: yes.
Comment: This variant is associated with the following publications: (PMID: 28250423)

Literature cited by the submitters: PubMed 28250423 (cited by Quest Diagnostics Nichols Institute San Juan Capistrano and Sema4).